The following is an entry in ClinVar:

ClinVar aggregate classification (germline): Uncertain significance. Review status: criteria provided, multiple submitters, no conflicts (2 of 4 stars). 2 submissions from 2 submitters: Uncertain significance (2). Last evaluated 2025-01-24.

Conditions:
Inborn genetic diseases. Identifiers: MedGen C0950123, MeSH D030342.
Congenital myasthenic syndrome 8. Also called: MYASTHENIC SYNDROME, CONGENITAL, DUE TO AGRIN DEFICIENCY; Myasthenic syndrome, congenital, 8, with pre- and postsynaptic defects. Identifiers: Orphanet 590, MedGen C3808739, MONDO:0014052, OMIM 615120.

Allele frequency attached by ClinVar (database versions not stated): gnomAD exomes 0.00002; ExAC 0.00005; gnomAD 0.00007 and 0.00008; TOPMed 0.00008.
gnomAD v4.1: 30 of 1,574,058 alleles (0.0019%); highest among the groups gnomAD compares: African/African-American, 0.015%; no homozygotes.

Submissions (2):

Ambry Genetics
Classification: Uncertain significance for Inborn genetic diseases. Last evaluated: 2025-01-24. Review status: criteria provided, single submitter. Criteria: Ambry Variant Classification Scheme 2023. Collection method: clinical testing. Allele origin: germline.

Labcorp Genetics (formerly Invitae), Labcorp
Classification: Uncertain significance for Congenital myasthenic syndrome 8. Last evaluated: 2022-09-01. Review status: criteria provided, single submitter. Criteria: Invitae Variant Classification Sherloc (09022015). Collection method: clinical testing. Allele origin: germline.
Comment: This sequence change replaces serine, which is neutral and polar, with leucine, which is neutral and non-polar, at codon 1277 of the AGRN protein (p.Ser1277Leu). The frequency data for this variant in the population databases is considered unreliable, as metrics indicate poor data quality at this position in the gnomAD database. This variant has not been reported in the literature in individuals affected with AGRN-related conditions. ClinVar contains an entry for this variant (Variation ID: 647366). Algorithms developed to predict the effect of missense changes on protein structure and function (SIFT, PolyPhen-2, Align-GVGD) all suggest that this variant is likely to be tolerated. In summary, the available evidence is currently insufficient to determine the role of this variant in disease. Therefore, it has been classified as a Variant of Uncertain Significance.

NM_198576.4(AGRN):c.3830C>T (p.Ser1277Leu)

Gene: AGRN (agrin; plus strand). Cytogenetic location: 1p36.33.
Variant type: single nucleotide variant.
Coding change: c.3830C>T on transcript NM_198576.4 (MANE Select); coding-DNA position 3830, C replaced by T.
Protein change: p.Ser1277Leu; replaces serine 1277 with leucine.
Molecular consequence: missense variant.
Genome position (GRCh38, 1-based): chr1:1,048,090, C>T. VCF-style: chr1-1048090-C-T. GRCh37 (hg19) VCF-style: chr1-983470-C-T.
Other names: c.3830C>T, p.Ser1277Leu (NM_001305275.2); c.3515C>T, p.Ser1172Leu (NM_001364727.2); short protein forms S1172L, S1277L.
Identifiers: ClinVar variation 647366 (VCV000647366.12), dbSNP rs747114622, ClinGen allele CA509252.